The following is an entry in ClinVar:

NM_001369268.1(ACAN):c.2258C>T (p.Pro753Leu)

Gene: ACAN (aggrecan; plus strand). Cytogenetic location: 15q26.1.
Variant type: single nucleotide variant.
Coding change: c.2258C>T on transcript NM_001369268.1 (MANE Select); coding-DNA position 2258, C replaced by T.
Protein change: p.Pro753Leu; replaces proline 753 with leucine.
Molecular consequence: missense variant.
Genome position (GRCh38, 1-based): chr15:88,852,025, C>T. VCF-style: chr15-88852025-C-T. GRCh37 (hg19) VCF-style: chr15-89395256-C-T.
Other names: c.2258C>T (NM_013227.3); c.2258C>T, p.Pro753Leu (NM_001135.4, NM_013227.4); short protein forms P753L.
Identifiers: ClinVar variation 1438309 (VCV001438309.10), dbSNP rs749512612, ClinGen allele CA7719828.

ClinVar aggregate classification (germline): Uncertain significance. Review status: criteria provided, multiple submitters, no conflicts (2 of 4 stars). 3 submissions from 3 submitters: Uncertain significance (3). Last evaluated 2025-02-28.

Conditions:
Inborn genetic diseases. Identifiers: MedGen C0950123, MeSH D030342.

Allele frequency attached by ClinVar (database versions not stated): gnomAD exomes below 0.00001; TOPMed 0.00002; gnomAD 0.00003 and 0.00004.
gnomAD v4.1: 18 of 1,600,634 alleles (0.0011%); highest among the groups gnomAD compares: Middle Eastern, 0.016%; no homozygotes.

Submissions (3):

Ambry Genetics
Classification: Uncertain significance for Inborn genetic diseases. Last evaluated: 2025-02-28. Review status: criteria provided, single submitter. Criteria: Ambry Variant Classification Scheme 2023. Collection method: clinical testing. Allele origin: germline.

Labcorp Genetics (formerly Invitae), Labcorp
Classification: Uncertain significance. Last evaluated: 2025-01-13. Review status: criteria provided, single submitter. Criteria: Invitae Variant Classification Sherloc (09022015). Collection method: clinical testing. Allele origin: germline.
Comment: This sequence change replaces proline, which is neutral and non-polar, with leucine, which is neutral and non-polar, at codon 753 of the ACAN protein (p.Pro753Leu). This variant is present in population databases (rs749512612, gnomAD 0.02%). This variant has not been reported in the literature in individuals affected with ACAN-related conditions. ClinVar contains an entry for this variant (Variation ID: 1438309). Invitae Evidence Modeling of protein sequence and biophysical properties (such as structural, functional, and spatial information, amino acid conservation, physicochemical variation, residue mobility, and thermodynamic stability) indicates that this missense variant is not expected to disrupt ACAN protein function with a negative predictive value of 80%. In summary, the available evidence is currently insufficient to determine the role of this variant in disease. Therefore, it has been classified as a Variant of Uncertain Significance.

GeneDx
Classification: Uncertain significance. Last evaluated: 2024-11-18. Review status: criteria provided, single submitter. Criteria: GeneDx Variant Classification Process June 2021. Collection method: clinical testing. Allele origin: germline. Affected: yes.
Comment: Has not been previously published as pathogenic or benign to our knowledge; In silico analysis supports that this missense variant has a deleterious effect on protein structure/function